The following is an entry in ClinVar:

NM_005609.4(PYGM):c.1727G>A (p.Arg576Gln)

Gene: PYGM (glycogen phosphorylase, muscle associated; minus strand). Cytogenetic location: 11q13.1.
Variant type: single nucleotide variant.
Coding change: c.1727G>A on transcript NM_005609.4 (MANE Select); coding-DNA position 1727, G replaced by A.
Protein change: p.Arg576Gln; replaces arginine 576 with glutamine.
Molecular consequence: missense variant.
Genome position (GRCh38, 1-based): chr11:64,751,965, C>T on the plus strand (G>A on the coding strand, the complement: PYGM is on the minus strand). VCF-style: chr11-64751965-C-T. GRCh37 (hg19) VCF-style: chr11-64519437-C-T.
Other names: c.1463G>A, p.Arg488Gln (NM_001164716.1); short protein forms R488Q, R576Q.
Identifiers: ClinVar variation 2574609 (VCV002574609.6), dbSNP rs759218298, ClinGen allele CA6079771.
Genomic context (GRCh38, chr11:64,751,965, plus strand): 5'-TAGAGTGGCTGCCACTCACGGTTGTACAGGGTGATGACATGGAGGCAGTTGAGGAGCTGT[C>T]GTTTATATTCGTGAATCCGCTTCACCTGGATGTCGAAGAGTGAGTTGGGGTTGATGTGGA-3'
Protein context (NP_005600.1, residues 566-586): IQVKRIHEYK[Arg576Gln]QLLNCLHVIT

ClinVar aggregate classification (germline): Uncertain significance. Review status: criteria provided, multiple submitters, no conflicts (2 of 4 stars). 3 submissions from 3 submitters: Uncertain significance (2). 1 of the submissions does not count toward it. Last evaluated 2025-01-27.

Conditions:
Glycogen storage disease, type V (GSD5). Also called: MCARDLE DISEASE; MUSCLE GLYCOGEN PHOSPHORYLASE DEFICIENCY; MYOPHOSPHORYLASE DEFICIENCY; PYGM DEFICIENCY; McArdle type glycogen storage disease. Identifiers: Orphanet 368, MedGen C0017924, MONDO:0009293, OMIM 232600.
Tip-toe gait. Also called: Toe walking. Identifiers: MedGen C0427144, HP:0030051.

Allele frequency attached by ClinVar (database versions not stated): ExAC 0.00001; gnomAD exomes 0.00001.
gnomAD v4.1: 18 of 1,614,008 alleles (0.0011%); highest among the groups gnomAD compares: Non-Finnish European, 0.0014%; no homozygotes.

Submissions (3):

Labcorp Genetics (formerly Invitae), Labcorp
Classification: Uncertain significance for Glycogen storage disease, type V. Last evaluated: 2025-01-27. Review status: criteria provided, single submitter. Criteria: Invitae Variant Classification Sherloc (09022015). Collection method: clinical testing. Allele origin: germline.
Comment: This sequence change replaces arginine, which is basic and polar, with glutamine, which is neutral and polar, at codon 576 of the PYGM protein (p.Arg576Gln). This variant is present in population databases (rs759218298, gnomAD 0.002%). This missense change has been observed in individual(s) with McArdle disease (PMID: 29143597). ClinVar contains an entry for this variant (Variation ID: 2574609). Invitae Evidence Modeling of protein sequence and biophysical properties (such as structural, functional, and spatial information, amino acid conservation, physicochemical variation, residue mobility, and thermodynamic stability) indicates that this missense variant is expected to disrupt PYGM protein function with a positive predictive value of 95%. In summary, the available evidence is currently insufficient to determine the role of this variant in disease. Therefore, it has been classified as a Variant of Uncertain Significance.

Women's Health and Genetics/Laboratory Corporation of America, LabCorp
Classification: Uncertain significance. Last evaluated: 2025-01-06. Review status: criteria provided, single submitter. Criteria: LabCorp Variant Classification Summary - May 2015. Collection method: clinical testing. Allele origin: germline.
Comment: Variant summary: PYGM c.1727G>A (p.Arg576Gln) results in a conservative amino acid change in the encoded protein sequence. Four of five in-silico tools predict a damaging effect of the variant on protein function. The variant allele was found at a frequency of 4e-06 in 251448 control chromosomes (gnomAD). c.1727G>A has been reported in the literature in individuals affected with Glycogen Storage Disease, Type V (e.g. Villarreal-Salazar_MolMetab_2022, Famili_2023). These data indicate that the variant may be associated with disease. To our knowledge, no experimental evidence demonstrating an impact on protein function has been reported. The following publications have been ascertained in the context of this evaluation (PMID: 36455789, 37919205). ClinVar contains an entry for this variant (Variation ID: 2574609). Based on the evidence outlined above, the variant was classified as VUS-possibly pathogenic.

Practice for Gait Abnormalities, David Pomarino, Competency Network Toe Walking C/o Practice Pomarino
Classification: Likely pathogenic for Tip-toe gait. Last evaluated: 2022-12-14. Review status: flagged submission. Collection method: clinical testing. Allele origin: germline. Affected: yes. Not counted in ClinVar's aggregate classification.
Comment: Toe Walking has various causes, ranging from idiopathic or habitual reasons to an underlying neuromuscular disease. The most observed form of toe walking is idiopathic toe walking (ITW) - a diagnosis of exclusion. ITW occurs in about 5% of children after their second birthday and is a common problem in pediatric orthopedics. In about 70% of these cases, there is spontaneous remission within six months of the onset of ITW. If the toe walk persists, one can assume the presence of a non-idiopathic form of toe walk (n-ITW). In n-ITW, the causes of the abnormal gait are neurological or myogenic. Differential diagnoses such as infantile cerebral palsy, muscular dystrophy, spinal amyotrophy and hereditary motor-sensory neuropathy as well as rare metabolic disorders of the musculature must be considered (Pomarino et al., 2018). In our clinical ITW consultation, we screen children with n-ITW for a genetic form of tiptoe gait using next generation sequencing for gene variants in 49 genes. These are genes in which gene variants can lead to neuromuscular diseases in which an association with toe-tapping gait has been reported or can be suspected due to patients’ clinical symptoms. To the best of our knowledge, this is the first study in which several patients with toe walking displayed heterozygosity for pathogenic or likely pathogenic PYGM mutations and mild symptoms of the metabolic muscle disease McArdle. The findings of our research are in line with recently published observations in heterozygous family members patients with McArdle disease. We should mention that some of the patients in our cohort harbored heterozygous variants in other genes of our gene panel. However, the numbers in this study were too small to workout any resulting combined genetic effects. It is concluded that genetic conditions can contribute to the development of toe walking. Apparently, even a slight genetic weakening of the muscles can lead to changes to the gait pattern. Future studies must show how the pathomechanism can be explained for the PYGM variants and whether there are new therapeutic approaches to be developed based on this research.
ClinVar note: Notes: This gene has insufficient supporting evidence for isolated Tip-Toe Gait.
ClinVar note: Reason: Claim with insufficient supporting evidence

Literature cited by the submitters: PubMed 29143597 (cited by Labcorp Genetics (formerly Invitae), Labcorp); PubMed 37919205 (cited by Women's Health and Genetics/Laboratory Corporation of America, LabCorp); PubMed 36455789 (cited by Women's Health and Genetics/Laboratory Corporation of America, LabCorp); PubMed 29881221 (cited by Practice for Gait Abnormalities, David Pomarino, Competency Network Toe Walking C/o Practice Pomarino); DOI 10.1016/j.rchot.2016.09.001 (cited by Practice for Gait Abnormalities, David Pomarino, Competency Network Toe Walking C/o Practice Pomarino); DOI 10.51793/OS.2022.25.6.010 (cited by Practice for Gait Abnormalities, David Pomarino, Competency Network Toe Walking C/o Practice Pomarino).